The following is an entry in ClinVar:

ClinVar aggregate classification (germline): Likely benign (1 of 4 stars; one submission).

Allele frequency attached by ClinVar (database versions not stated): 1000 Genomes Project 0.00439; 1000 Genomes Project 30x 0.00468; TOPMed 0.00730; gnomAD 0.00893 and 0.00928.
gnomAD v4.1: 18,482 of 1,601,370 alleles (1.2%); highest among the groups gnomAD compares: Non-Finnish European, 1.3%; 140 homozygotes.

Submission:

GeneDx
Classification: Likely benign. Last evaluated: 2018-06-16. Review status: criteria provided, single submitter. Criteria: GeneDx Variant Classification (06012015). Collection method: clinical testing. Allele origin: germline. Affected: yes.
Comment: This variant is considered likely benign or benign based on one or more of the following criteria: it is a conservative change, it occurs at a poorly conserved position in the protein, it is predicted to be benign by multiple in silico algorithms, and/or has population frequency not consistent with disease.

NM_001267550.2(TTN):c.2076+55A>C

Gene: TTN (titin; minus strand). Cytogenetic location: 2q31.2.
Variant type: single nucleotide variant.
Coding change: c.2076+55A>C on transcript NM_001267550.2 (MANE Select); 55 bases into the intron after coding-DNA position 2076, A replaced by C.
Molecular consequence: intron variant.
Genome position (GRCh38, 1-based): chr2:178,789,305, T>G on the plus strand (A>C on the coding strand, the complement: TTN is on the minus strand). VCF-style: chr2-178789305-T-G. GRCh37 (hg19) VCF-style: chr2-179654032-T-G.
Other names: c.2076+55A>C (NM_001256850.1, NM_133378.4, NM_133379.5); c.1938+55A>C (NM_003319.4, NM_133437.4, NM_133432.3).
Identifiers: ClinVar variation 673647 (VCV000673647.1), dbSNP rs67491807, ClinGen allele CA60983806.